The following is an entry in ClinVar:

ClinVar aggregate classification (germline): Pathogenic (1 of 4 stars; one submission).

Conditions:
Early-infantile DEE. Also called: Ohtahara syndrome; Early infantile epileptic encephalopathy with suppression bursts; Early infantile epileptic encephalopathy. Identifiers: Orphanet 1934, MedGen C0393706, MONDO:0800491.

Submission:

Labcorp Genetics (formerly Invitae), Labcorp
Classification: Pathogenic for Early-infantile DEE. Last evaluated: 2022-08-24. Review status: criteria provided, single submitter. Criteria: Invitae Variant Classification Sherloc (09022015). Collection method: clinical testing. Allele origin: germline.
Comment: This sequence change replaces phenylalanine, which is neutral and non-polar, with leucine, which is neutral and non-polar, at codon 1220 of the SCN1A protein (p.Phe1220Leu). This variant is not present in population databases (gnomAD no frequency). This missense change has been observed in individual(s) with clinical features of epileptic encephalopathy (Invitae). In at least one individual the variant was observed to be de novo. ClinVar contains an entry for this variant (Variation ID: 1064343). Advanced modeling of protein sequence and biophysical properties (such as structural, functional, and spatial information, amino acid conservation, physicochemical variation, residue mobility, and thermodynamic stability) performed at Invitae indicates that this missense variant is expected to disrupt SCN1A protein function. For these reasons, this variant has been classified as Pathogenic.

NM_001165963.4(SCN1A):c.3660T>G (p.Phe1220Leu)

Genes: SCN1A (sodium voltage-gated channel alpha subunit 1; minus strand), LOC102724058 (uncharacterized LOC102724058; plus strand). Cytogenetic location: 2q24.3.
Variant type: single nucleotide variant.
Coding change: c.3660T>G on transcript NM_001165963.4 (MANE Select); coding-DNA position 3660, T replaced by G.
Protein change: p.Phe1220Leu; replaces phenylalanine 1220 with leucine.
Molecular consequence: missense variant. On other transcripts: non-coding transcript variant (1).
Genome position (GRCh38, 1-based): chr2:166,013,789, A>C on the plus strand (T>G on the coding strand, the complement: SCN1A is on the minus strand). VCF-style: chr2-166013789-A-C. GRCh37 (hg19) VCF-style: chr2-166870299-A-C.
Other names: c.3576T>G, p.Phe1192Leu (NM_001165964.3, NM_001353957.2, NM_001353958.2); c.3660T>G, p.Phe1220Leu (NM_001202435.3, NM_001353948.2); c.3627T>G, p.Phe1209Leu (NM_001353949.2, NM_001353950.2, NM_001353951.2 and 2 more transcripts); c.3624T>G, p.Phe1208Leu (NM_001353954.2, NM_001353955.2); c.3573T>G, p.Phe1191Leu (NM_001353960.2); c.1218T>G, p.Phe406Leu (NM_001353961.2); short protein forms F1191L, F1192L, F1208L, F1209L, F1220L, F406L.
Identifiers: ClinVar variation 1064343 (VCV001064343.10), dbSNP rs2105610047, ClinGen allele CA349055932.
Genomic context (GRCh38, chr2:166,013,789, plus strand): 5'-CTTAATCTCACTCACCAGAGCACCACTACTAAGGAGAATCATGAAAACAATGAAGGTCTC[A>C]AACCAGTTATGTTCAACTATTCGGAAACACGTCCTTCTCAGGTTCCACCATTGTTTTCCT-3'
Protein context (NP_001159435.1, residues 1210-1230): TCFRIVEHNW[Phe1220Leu]ETFIVFMILL